The following is an entry in ClinVar:

NM_001267550.2(TTN):c.50396T>G (p.Val16799Gly)

Genes: TTN (titin; minus strand), TTN-AS1 (TTN antisense RNA 1; plus strand). Cytogenetic location: 2q31.2.
Variant type: single nucleotide variant.
Coding change: c.50396T>G on transcript NM_001267550.2 (MANE Select); coding-DNA position 50396, T replaced by G.
Protein change: p.Val16799Gly; replaces valine 16799 with glycine.
Molecular consequence: missense variant.
Genome position (GRCh38, 1-based): chr2:178,611,913, A>C on the plus strand (T>G on the coding strand, the complement: TTN is on the minus strand). VCF-style: chr2-178611913-A-C. GRCh37 (hg19) VCF-style: chr2-179476640-A-C.
Other names: c.45473T>G, p.Val15158Gly (NM_001256850.1); c.23201T>G, p.Val7734Gly (NM_003319.4); c.42692T>G, p.Val14231Gly (NM_133378.4); c.23576T>G, p.Val7859Gly (NM_133432.3); c.23777T>G, p.Val7926Gly (NM_133437.4); short protein forms V16799G, V7734G, V14231G, V15158G, V7926G, V7859G.
Identifiers: ClinVar variation 518566 (VCV000518566.29), dbSNP rs1222977459, ClinGen allele CA349596392.

ClinVar aggregate classification (germline): Conflicting classifications of pathogenicity. Review status: criteria provided, conflicting classifications (1 of 4 stars). 2 submissions from 2 submitters: Uncertain significance (1); Likely benign (1). Last evaluated 2022-12-01.

Conditions:
Cardiovascular phenotype. Identifiers: MedGen CN230736.

Allele frequency attached by ClinVar (database versions not stated): gnomAD exomes below 0.00001; gnomAD 0.00001.
gnomAD v4.1: 3 of 1,612,556 alleles (0.00019%); highest among the groups gnomAD compares: Non-Finnish European, 0.00025%; no homozygotes.

Submissions (2):

CeGaT Center for Human Genetics Tuebingen
Classification: Likely benign. Last evaluated: 2022-12-01. Review status: criteria provided, single submitter. Criteria: CeGaT Center For Human Genetics Tuebingen Variant Classification Criteria Version 2. Collection method: clinical testing. Allele origin: germline. Affected: yes. Observed: 1 variant allele.
Comment: TTN: BP4

Ambry Genetics
Classification: Uncertain significance for Cardiovascular phenotype. Last evaluated: 2016-07-25. Review status: criteria provided, single submitter. Criteria: Ambry Variant Classification Scheme 2023. Collection method: clinical testing. Allele origin: germline.
Comment: The p.V7734G variant (also known as c.23201T>G), located in coding exon 95 of the TTN gene, results from a T to G substitution at nucleotide position 23201. The valine at codon 7734 is replaced by glycine, an amino acid with dissimilar properties, and is located in the A-band region of the N2-B isoform of the titin protein. This amino acid position is highly conserved in available vertebrate species. In addition, the in silico prediction for this alteration is inconclusive. Since supporting evidence is limited at this time, the clinical significance of this alteration remains unclear.